The following is an entry in ClinVar:

ClinVar aggregate classification (germline): Uncertain significance (1 of 4 stars; one submission).

Submission:

GeneDx
Classification: Uncertain significance. Last evaluated: 2024-08-11. Review status: criteria provided, single submitter. Criteria: GeneDx Variant Classification Process June 2021. Collection method: clinical testing. Allele origin: germline. Affected: yes.
Comment: Not observed at significant frequency in large population cohorts (gnomAD); In silico analysis indicates that this missense variant does not alter protein structure/function; Has not been previously published as pathogenic or benign to our knowledge

NM_002911.4(UPF1):c.3200T>G (p.Met1067Arg)

Gene: UPF1 (UPF1 RNA helicase and ATPase; plus strand). Cytogenetic location: 19p13.11.
Variant type: single nucleotide variant.
Coding change: c.3200T>G on transcript NM_002911.4 (MANE Select); coding-DNA position 3200, T replaced by G.
Protein change: p.Met1067Arg; replaces methionine 1067 with arginine.
Molecular consequence: missense variant.
Genome position (GRCh38, 1-based): chr19:18,865,741, T>G. VCF-style: chr19-18865741-T-G. GRCh37 (hg19) VCF-style: chr19-18976550-T-G.
Other names: c.3233T>G, p.Met1078Arg (NM_001297549.2); short protein forms M1067R, M1078R.
Identifiers: ClinVar variation 3731010 (VCV003731010.1).
Genomic context (GRCh38, chr19:18,865,741, plus strand): 5'-AGCCCTTCTCTCAGGGCGCCCTGACGCAGGGCTACATCTCCATGAGCCAGCCTTCCCAGA[T>G]GAGCCAGCCCGGCCTCTCCCAGCCGGAGCTGTCCCAGGTGAGCCCGCCCCTGGGACGGGA-3'
Protein context (NP_002902.2, residues 1057-1077): GYISMSQPSQ[Met1067Arg]SQPGLSQPEL